The following is an entry in ClinVar:

ClinVar aggregate classification (germline): Conflicting classifications of pathogenicity. Review status: criteria provided, conflicting classifications (1 of 4 stars). 2 submissions from 2 submitters: Uncertain significance (1); Likely benign (1). Last evaluated 2025-06-03.

Conditions:
Gorlin syndrome. Also called: Basal cell nevus syndrome; Nevoid Basal Cell Carcinoma Syndrome. Identifiers: Orphanet 377, MedGen C0004779, MONDO:0007187.
Hereditary cancer-predisposing syndrome. Also called: Tumor predisposition; Neoplastic Syndromes, Hereditary; Hereditary Cancer Syndrome; Hereditary neoplastic syndrome. Identifiers: Orphanet 140162, MedGen C0027672, MeSH D009386, MONDO:0015356.

Allele frequency attached by ClinVar (database versions not stated): ExAC 0.00001; gnomAD exomes 0.00001.
gnomAD v4.1: 2 of 1,578,924 alleles (0.00013%); highest among the groups gnomAD compares: Admixed American, 0.0018%; no homozygotes.

Submissions (2):

Ambry Genetics
Classification: Uncertain significance for Hereditary cancer-predisposing syndrome. Last evaluated: 2025-06-03. Review status: criteria provided, single submitter. Criteria: Ambry Variant Classification Scheme 2023. Collection method: clinical testing. Allele origin: germline.
Comment: The p.R32T variant (also known as c.95G>C), located in coding exon 1 of the PTCH1 gene, results from a G to C substitution at nucleotide position 95. The arginine at codon 32 is replaced by threonine, an amino acid with similar properties. This amino acid position is well conserved in available vertebrate species. In addition, this alteration is predicted to be tolerated by in silico analysis. Based on the available evidence, the clinical significance of this variant remains unclear.

Labcorp Genetics (formerly Invitae), Labcorp
Classification: Likely benign for Gorlin syndrome. Last evaluated: 2023-10-13. Review status: criteria provided, single submitter. Criteria: Invitae Variant Classification Sherloc (09022015). Collection method: clinical testing. Allele origin: germline.

NM_000264.5(PTCH1):c.95G>C (p.Arg32Thr)

Genes: PTCH1 (patched 1; minus strand), LOC130002133 (ATAC-STARR-seq lymphoblastoid silent region 20071; plus strand). Cytogenetic location: 9q22.32.
Variant type: single nucleotide variant.
Coding change: c.95G>C on transcript NM_000264.5 (MANE Select); coding-DNA position 95, G replaced by C.
Protein change: p.Arg32Thr; replaces arginine 32 with threonine.
Molecular consequence: missense variant. On other transcripts: non-coding transcript variant (1), intron variant (3).
Genome position (GRCh38, 1-based): chr9:95,508,267, C>G on the plus strand (G>C on the coding strand, the complement: PTCH1 is on the minus strand). VCF-style: chr9-95508267-C-G. GRCh37 (hg19) VCF-style: chr9-98270549-C-G.
Other names: c.95G>C, p.Arg32Thr (NM_001354918.2); c.199-1668G>C (NM_001083603.3); c.4-1668G>C (NM_001083602.3, NM_001354919.2); c.95G>C (NM_000264.3); short protein forms R32T.
Identifiers: ClinVar variation 1063432 (VCV001063432.12), dbSNP rs746923835, ClinGen allele CA5139052.
Genomic context (GRCh38, chr9:95,508,267, plus strand): 5'-CGGTGCAGATAGTCCCGGTCCGGCGCGGCAGCACGGCGCAGCCCCCCCGTCCGTCTGCGC[C>G]TCCCGCCTCCAGCCGGCCGTCCCGGGGCACCGATACAGCCGCTGCCGCCGCCGCCGCGGT-3'
Protein context (NP_000255.2, residues 22-42): GAPGRPAGGG[Arg32Thr]RRRTGGLRRA